The following is an entry in ClinVar:

ClinVar aggregate classification (germline): Uncertain significance. Review status: criteria provided, multiple submitters, no conflicts (2 of 4 stars). 4 submissions from 4 submitters: Uncertain significance (4). Last evaluated 2025-07-29.

Conditions:
Catecholaminergic polymorphic ventricular tachycardia (CVPT). Also called: Catecholamine-induced polymorphic ventricular tachycardia. Identifiers: Orphanet 3286, MedGen C5574922, MONDO:0017990.
Cardiomyopathy (CMYO). Also called: Cardiomyopathies. Identifiers: Orphanet 167848, MedGen C0878544, MONDO:0004994, HP:0001638. Inheritance: Various modes of inheritance.
Catecholaminergic polymorphic ventricular tachycardia 1. Also called: VENTRICULAR TACHYCARDIA, CATECHOLAMINERGIC POLYMORPHIC, 1, WITH OR WITHOUT ATRIAL DYSFUNCTION AND/OR DILATED CARDIOMYOPATHY; RYR2-Related Catecholaminergic Polymorphic Ventricular Tachycardia; VENTRICULAR TACHYCARDIA, STRESS-INDUCED POLYMORPHIC 1. Identifiers: Orphanet 3286, MedGen C1631597, MONDO:0011484, OMIM 604772.

Allele frequency attached by ClinVar (database versions not stated): gnomAD 0.00001 and 0.00002; gnomAD exomes 0.00001 and 0.00002; ExAC 0.00002; TOPMed 0.00002.
gnomAD v4.1: 10 of 1,609,786 alleles (0.00062%); highest among the groups gnomAD compares: Admixed American, 0.0067%; no homozygotes.

Submissions (4):

Labcorp Genetics (formerly Invitae), Labcorp
Classification: Uncertain significance for Catecholaminergic polymorphic ventricular tachycardia 1. Last evaluated: 2025-07-29. Review status: criteria provided, single submitter. Criteria: Invitae Variant Classification Sherloc (09022015). Collection method: clinical testing. Allele origin: germline.
Comment: This sequence change replaces alanine, which is neutral and non-polar, with serine, which is neutral and polar, at codon 157 of the RYR2 protein (p.Ala157Ser). This variant is present in population databases (rs753443369, gnomAD 0.009%). This variant has not been reported in the literature in individuals affected with RYR2-related conditions. ClinVar contains an entry for this variant (Variation ID: 923913). Invitae Evidence Modeling of protein sequence and biophysical properties (such as structural, functional, and spatial information, amino acid conservation, physicochemical variation, residue mobility, and thermodynamic stability) indicates that this missense variant is expected to disrupt RYR2 protein function with a positive predictive value of 80%. In summary, the available evidence is currently insufficient to determine the role of this variant in disease. Therefore, it has been classified as a Variant of Uncertain Significance.

All of Us Research Program, National Institutes of Health
Classification: Uncertain significance for Catecholaminergic polymorphic ventricular tachycardia. Last evaluated: 2023-10-06. Review status: criteria provided, single submitter. Criteria: ACMG Guidelines, 2015. Collection method: clinical testing. Allele origin: germline. Inheritance: Autosomal dominant inheritance. Observed: 1 variant allele, 1 heterozygote.
Comment: This missense variant replaces alanine with serine at codon 157 of the RYR2 protein. Computational prediction suggests that this variant may have deleterious impact on protein structure and function (internally defined REVEL score threshold >= 0.7, PMID: 27666373). Splice site prediction tools suggest that this variant may not impact RNA splicing. To our knowledge, functional studies have not been performed for this variant. This variant has been reported in a family affected with catecholaminergic polymorphic ventricular tachycardia (PMID: 28789916). This variant has been identified in 4/246500 chromosomes in the general population by the Genome Aggregation Database (gnomAD). The available evidence is insufficient to determine the role of this variant in disease conclusively. Therefore, this variant is classified as a Variant of Uncertain Significance.

This study involves interpretation of variants in research participants for the purpose of population health screening. Participant phenotype was not available at the time of variant classification. Additional details can be found in publication PMID: 35346344, PMCID: PMC8962531

Color Diagnostics, LLC DBA Color Health
Classification: Uncertain significance for Cardiomyopathy. Last evaluated: 2023-09-21. Review status: criteria provided, single submitter. Criteria: ACMG Guidelines, 2015. Collection method: clinical testing. Allele origin: germline.
Comment: This missense variant replaces alanine with serine at codon 157 of the RYR2 protein. Computational prediction suggests that this variant may have deleterious impact on protein structure and function (internally defined REVEL score threshold >= 0.7, PMID: 27666373). To our knowledge, functional studies have not been reported for this variant. This variant has been reported in a family affected with catecholaminergic polymorphic ventricular tachycardia (PMID: 28789916). This variant has been identified in 4/246500 chromosomes in the general population by the Genome Aggregation Database (gnomAD). The available evidence is insufficient to determine the role of this variant in disease conclusively. Therefore, this variant is classified as a Variant of Uncertain Significance.

Neuberg Centre For Genomic Medicine, NCGM
Classification: Uncertain significance for Catecholaminergic polymorphic ventricular tachycardia 1. Review status: criteria provided, single submitter. Criteria: ACMG Guidelines, 2015. Collection method: clinical testing. Allele origin: germline. Inheritance: Autosomal dominant inheritance. Affected: yes.
Comment: The missense variant c.469G>Tp.Ala157Ser in RYR2 gene has not been reported previously as a pathogenic variant nor as a benign variant, to our knowledge. The p.Ala157Ser variant is novel not in any individuals in 1000 Genomes and has allele frequency of 0.002% in gnomAD exomes database. This variant has been reported to the ClinVar database as Uncertain Significance. The amino acid change p.Ala157Ser in RYR2 is predicted as conserved by GERP++ and PhyloP across 100 vertebrates. The amino acid Ala at position 157 is changed to a Ser changing protein sequence and it might alter its composition and physicochemical properties. For these reasons, this variant has been classified as Uncertain Significance VUS.

Literature cited by the submitters: PubMed 28789916 (cited by All of Us Research Program, National Institutes of Health and Color Diagnostics, LLC DBA Color Health).

NM_001035.3(RYR2):c.469G>T (p.Ala157Ser)

Gene: RYR2 (ryanodine receptor 2; plus strand). Cytogenetic location: 1q43.
Variant type: single nucleotide variant.
Coding change: c.469G>T on transcript NM_001035.3 (MANE Select); coding-DNA position 469, G replaced by T.
Protein change: p.Ala157Ser; replaces alanine 157 with serine.
Molecular consequence: missense variant.
Genome position (GRCh38, 1-based): chr1:237,377,328, G>T. VCF-style: chr1-237377328-G-T. GRCh37 (hg19) VCF-style: chr1-237540628-G-T.
Other names: short protein forms A157S.
Identifiers: ClinVar variation 923913 (VCV000923913.12), dbSNP rs753443369, ClinGen allele CA086710.